The following is an entry in ClinVar:

ClinVar aggregate classification (germline): Benign. Review status: criteria provided, multiple submitters, no conflicts (2 of 4 stars). 4 submissions from 4 submitters: Benign (4). Last evaluated 2018-01-12.

Conditions:
Bilateral frontoparietal polymicrogyria. Also called: CORTICAL DYSPLASIA, COMPLEX, WITH OTHER BRAIN MALFORMATIONS 14A (BILATERAL FRONTOPARIETAL); CEREBELLAR ATAXIA WITH NEURONAL MIGRATION DEFECT. Identifiers: Orphanet 101070, MedGen C1847352, MONDO:0011738, OMIM 606854.

Allele frequency attached by ClinVar (database versions not stated): gnomAD 0.03705 and 0.03485; TOPMed 0.03947; gnomAD exomes 0.00882 and 0.00347; ExAC 0.01091; ESP Exome Variant Server 0.03232; 1000 Genomes Project 0.03754; 1000 Genomes Project 30x 0.04029.
gnomAD v4.1: 10,574 of 1,611,196 alleles (0.66%); highest among the groups gnomAD compares: African/African-American, 12%; 611 homozygotes.

Submissions (4):

Illumina Laboratory Services, Illumina
Classification: Benign for Bilateral frontoparietal polymicrogyria. Last evaluated: 2018-01-12. Review status: criteria provided, single submitter. Criteria: ICSL Variant Classification Criteria 13 December 2019. Collection method: clinical testing. Allele origin: germline.
Comment: This variant was observed in the ICSL laboratory as part of a predisposition screen in an ostensibly healthy population. It had not been previously curated by ICSL or reported in the Human Gene Mutation Database (HGMD: prior to June 1st, 2018), and was therefore a candidate for classification through an automated scoring system. Utilizing variant allele frequency, disease prevalence and penetrance estimates, and inheritance mode, an automated score was calculated to assess if this variant is too frequent to cause the disease. Based on the score and internal cut-off values, a variant classified as benign is not then subjected to further curation. The score for this variant resulted in a classification of benign for this disease.

GeneDx
Classification: Benign. Last evaluated: 2015-03-03. Review status: criteria provided, single submitter. Criteria: GeneDx Variant Classification Process June 2021. Collection method: clinical testing. Allele origin: germline. Affected: yes.

Breakthrough Genomics
Classification: Benign. Review status: criteria provided, single submitter. Criteria: ACMG Guidelines, 2015. Collection method: not provided. Allele origin: germline. Inheritance: Autosomal recessive inheritance. Affected: yes.

PreventionGenetics, part of Exact Sciences
Classification: Benign. Review status: criteria provided, single submitter. Criteria: ACMG Guidelines, 2015. Collection method: clinical testing. Allele origin: germline.

NM_201525.4(ADGRG1):c.*19C>A

Gene: ADGRG1 (adhesion G protein-coupled receptor G1; plus strand). Cytogenetic location: 16q21.
Variant type: single nucleotide variant.
Coding change: c.*19C>A on transcript NM_201525.4 (MANE Select); 19 bases downstream of the stop codon, C replaced by A.
Molecular consequence: 3 prime UTR variant.
Genome position (GRCh38, 1-based): chr16:57,663,601, C>A. VCF-style: chr16-57663601-C-A. GRCh37 (hg19) VCF-style: chr16-57697513-C-A.
Other names: c.*19C>A (NM_001145770.3, NM_001145771.3, NM_001145772.3 and 25 more transcripts).
Identifiers: ClinVar variation 259864 (VCV000259864.9), dbSNP rs74022020, ClinGen allele CA8078945.